The following is an entry in ClinVar:

NM_000548.5(TSC2):c.101A>C (p.Lys34Thr)

Gene: TSC2 (TSC complex subunit 2; plus strand). Cytogenetic location: 16p13.3.
Variant type: single nucleotide variant.
Coding change: c.101A>C on transcript NM_000548.5 (MANE Select); coding-DNA position 101, A replaced by C.
Protein change: p.Lys34Thr; replaces lysine 34 with threonine.
Molecular consequence: missense variant. On other transcripts: 5 prime UTR variant (1), intron variant (1).
Genome position (GRCh38, 1-based): chr16:2,048,716, A>C. VCF-style: chr16-2048716-A-C. GRCh37 (hg19) VCF-style: chr16-2098717-A-C.
Other names: p.K34T:AAA>ACA; c.101A>C, p.Lys34Thr (NM_001077183.3, NM_001114382.3, NM_001318827.2 and 4 more transcripts); c.-126A>C (NM_001318831.2); c.134A>C, p.Lys45Thr (NM_001318832.2); c.-10+651A>C (NM_001318829.2); c.101A>C (NM_000548.4); short protein forms K34T, K45T.
Identifiers: ClinVar variation 207654 (VCV000207654.24), dbSNP rs777988634, ClinGen allele CA027975.
Genomic context (GRCh38, chr16:2,048,716, plus strand): 5'-AGTTTAAGATTCTGTTGGGACTGGGAACACCGAGGCCAAATCCCAGGTCTGCAGAGGGTA[A>C]ACAGACGGAGTTTATCATCACCGCGGAAATACTGAGAGTGAGTGAGCTACCTGTGTCTTT-3'
Protein context (NP_000539.2, residues 24-44): PRPNPRSAEG[Lys34Thr]QTEFIITAEI

ClinVar aggregate classification (germline): Conflicting classifications of pathogenicity. Review status: criteria provided, conflicting classifications (1 of 4 stars). 8 submissions from 8 submitters: Uncertain significance (3); Benign (2); Likely benign (3). Last evaluated 2026-06-18.

Conditions:
TSC2-related disorder. Also called: TSC2-Related Disorders; TSC2-related condition.
Hereditary cancer-predisposing syndrome. Also called: Hereditary Cancer Syndrome; Neoplastic Syndromes, Hereditary; Tumor predisposition; Hereditary neoplastic syndrome. Identifiers: Orphanet 140162, MedGen C0027672, MeSH D009386, MONDO:0015356.
Tuberous sclerosis syndrome (TSC). Also called: Tuberous sclerosis; Tuberous Sclerosis Complex. Identifiers: Orphanet 805, MedGen C0041341, MONDO:0001734.
Tuberous sclerosis 2 (TSC2). Identifiers: Orphanet 805, MedGen C1860707, MONDO:0013199, OMIM 613254.

Allele frequency attached by ClinVar (database versions not stated): gnomAD 0.00001 and 0.00002.
gnomAD v4.1: 30 of 1,613,960 alleles (0.0019%); highest among the groups gnomAD compares: Non-Finnish European, 0.0025%; no homozygotes.

Submissions (8):

PreventionGenetics, part of Exact Sciences
Classification: Likely benign for TSC2-related condition. Last evaluated: 2026-06-18. Review status: criteria provided, single submitter. Criteria: ACMG Guidelines, 2015. Collection method: clinical testing. Allele origin: germline.
Comment: This variant is classified as likely benign based on ACMG/AMP sequence variant interpretation guidelines (Richards et al. 2015 PMID: 25741868, with internal and published modifications).

Labcorp Genetics (formerly Invitae), Labcorp
Classification: Benign for Tuberous sclerosis 2. Last evaluated: 2025-11-27. Review status: criteria provided, single submitter. Criteria: Invitae Variant Classification Sherloc (09022015). Collection method: clinical testing. Allele origin: germline.

Color Diagnostics, LLC DBA Color Health
Classification: Uncertain significance for Tuberous sclerosis syndrome. Last evaluated: 2025-06-19. Review status: criteria provided, single submitter. Criteria: ACMG Guidelines, 2015. Collection method: clinical testing. Allele origin: germline.
Comment: This missense variant replaces lysine with threonine at codon 34 of the TSC2 protein. Computational prediction suggests that this variant may not impact protein structure and function. To our knowledge, functional studies have not been reported for this variant. This variant has not been reported in individuals affected with TSC2-related disorders in the literature. This variant has been identified in 2/282670 chromosomes in the general population by the Genome Aggregation Database (gnomAD). The available evidence is insufficient to determine the role of this variant in disease conclusively. Therefore, this variant is classified as a Variant of Uncertain Significance.

St. Jude Molecular Pathology, St. Jude Children's Research Hospital
Classification: Uncertain significance for Tuberous sclerosis 2. Last evaluated: 2024-07-29. Review status: criteria provided, single submitter. Criteria: St. Jude Assertion Criteria 2020. Collection method: clinical testing. Allele origin: germline.
Comment: The TSC2 c.101A>C (p.Lys34Thr) missense change has a maximum subpopulation frequency of 0.0016% in gnomAD v2.1.1. The in silico tool REVEL predicts a benign effect on protein function, but to our knowledge this prediction has not been confirmed by functional studies. To our knowledge, this variant has not been reported in the literature in individuals with tuberous sclerosis complex. In summary, the evidence currently available is insufficient to determine the clinical significance of this variant. It has therefore been classified as of uncertain significance.

All of Us Research Program, National Institutes of Health
Classification: Uncertain significance for Tuberous sclerosis syndrome. Last evaluated: 2024-03-28. Review status: criteria provided, single submitter. Criteria: ACMG Guidelines, 2015. Collection method: clinical testing. Allele origin: germline. Inheritance: Autosomal dominant inheritance. Observed: 9 variant alleles, 9 heterozygotes.
Comment: This missense variant replaces lysine with threonine at codon 34 of the TSC2 protein. Computational prediction suggests that this variant may not impact protein structure and function (internally defined REVEL score threshold <= 0.5, PMID: 27666373). To our knowledge, functional studies have not been reported for this variant. This variant has not been reported in individuals affected with tuberous sclerosis complex in the literature. This variant has been identified in 2/282670 chromosomes in the general population by the Genome Aggregation Database (gnomAD). The available evidence is insufficient to determine the role of this variant in disease conclusively. Therefore, this variant is classified as a Variant of Uncertain Significance.

This study involves interpretation of variants in research participants for the purpose of population health screening. Participant phenotype was not available at the time of variant classification. Additional details can be found in publication PMID: 35346344, PMCID: PMC8962531

Genome-Nilou Lab
Classification: Benign for Tuberous sclerosis 2. Last evaluated: 2021-11-07. Review status: criteria provided, single submitter. Criteria: ACMG Guidelines, 2015. Collection method: clinical testing. Allele origin: germline. Affected: no.

Ambry Genetics
Classification: Likely benign for Hereditary cancer-predisposing syndrome. Last evaluated: 2019-05-06. Review status: criteria provided, single submitter. Criteria: Ambry Variant Classification Scheme 2023. Collection method: clinical testing. Allele origin: germline.

GeneDx
Classification: Likely benign. Last evaluated: 2013-08-22. Review status: criteria provided, single submitter. Criteria: GeneDx Variant Classification (06012015). Collection method: clinical testing. Allele origin: germline. Affected: yes.
Comment: This variant is considered likely benign or benign based on one or more of the following criteria: it is a conservative change, it occurs at a poorly conserved position in the protein, it is predicted to be benign by multiple in silico algorithms, and/or has population frequency not consistent with disease.